The following is an entry in ClinVar:

NM_000138.5(FBN1):c.4210+4T>C

Gene: FBN1 (fibrillin 1; minus strand). Cytogenetic location: 15q21.1.
Variant type: single nucleotide variant.
Coding change: c.4210+4T>C on transcript NM_000138.5 (MANE Select); 4 bases into the intron after coding-DNA position 4210, T replaced by C.
Molecular consequence: intron variant.
Genome position (GRCh38, 1-based): chr15:48,474,251, A>G on the plus strand (T>C on the coding strand, the complement: FBN1 is on the minus strand). VCF-style: chr15-48474251-A-G. GRCh37 (hg19) VCF-style: chr15-48766448-A-G.
Other names: c.4210+4T>C (NM_001406716.1).
Identifiers: ClinVar variation 4758617 (VCV004758617.1).

ClinVar aggregate classification (germline): Uncertain significance (1 of 4 stars; one submission).

Conditions:
Familial thoracic aortic aneurysm and aortic dissection (TAAD). Also called: Thoracic aortic aneurysms and dissections. Identifiers: Orphanet 91387, MedGen C4707243, MONDO:0019625.

gnomAD v4.1: 12 of 1,613,992 alleles (0.00074%); highest among the groups gnomAD compares: Non-Finnish European, 0.00093%; no homozygotes.

Submission:

Color Diagnostics, LLC DBA Color Health
Classification: Uncertain significance for Familial thoracic aortic aneurysm and aortic dissection. Last evaluated: 2025-08-30. Review status: criteria provided, single submitter. Criteria: ACMG Guidelines, 2015. Collection method: clinical testing. Allele origin: germline.
Comment: This variant causes a T to C nucleotide substitution at the +4 position of intron 34 of the FBN1 gene. To our knowledge, functional studies have not been reported for this variant. This variant has not been reported in individuals affected with FBN1-related disorders in the literature. This variant has been identified in 1/251386 chromosomes in the general population by the Genome Aggregation Database (gnomAD). The available evidence is insufficient to determine the role of this variant in disease conclusively. Therefore, this variant is classified as a Variant of Uncertain Significance.